The following is an entry in ClinVar:

NM_000368.5(TSC1):c.1239G>C (p.Gln413His)

Gene: TSC1 (TSC complex subunit 1; minus strand). Cytogenetic location: 9q34.13.
Variant type: single nucleotide variant.
Coding change: c.1239G>C on transcript NM_000368.5 (MANE Select); coding-DNA position 1239, G replaced by C.
Protein change: p.Gln413His; replaces glutamine 413 with histidine.
Molecular consequence: missense variant.
Genome position (GRCh38, 1-based): chr9:132,910,595, C>G on the plus strand (G>C on the coding strand, the complement: TSC1 is on the minus strand). VCF-style: chr9-132910595-C-G. GRCh37 (hg19) VCF-style: chr9-135785982-C-G.
Other names: c.1236G>C, p.Gln412His (NM_001162426.2); c.1086G>C, p.Gln362His (NM_001162427.2); c.876G>C, p.Gln292His (NM_001362177.2); short protein forms Q292H, Q362H, Q412H, Q413H.
Identifiers: ClinVar variation 853430 (VCV000853430.9), dbSNP rs786203715, ClinGen allele CA375366809.
Genomic context (GRCh38, chr9:132,910,595, plus strand): 5'-CCTGGGCAGAGGGATAGCAGACGAGCTGGATCGCACCTTCCTGGGGGGTGTGACTGTGGC[C>G]TGGGGGAGTGAAATGTGCACGTAGTCATCCGAATGACAGAGTGGGGCTGGAGGAGGAGAG-3'
Protein context (NP_000359.1, residues 403-423): SDDYVHISLP[Gln413His]ATVTPPRKEE

ClinVar aggregate classification (germline): Uncertain significance (1 of 4 stars; one submission).

Conditions:
Tuberous sclerosis 1 (TSC1). Identifiers: Orphanet 805, MedGen C1854465, MONDO:0008612, OMIM 191100.

Submission:

Labcorp Genetics (formerly Invitae), Labcorp
Classification: Uncertain significance for Tuberous sclerosis 1. Last evaluated: 2022-11-09. Review status: criteria provided, single submitter. Criteria: Invitae Variant Classification Sherloc (09022015). Collection method: clinical testing. Allele origin: germline.
Comment: In summary, the available evidence is currently insufficient to determine the role of this variant in disease. Therefore, it has been classified as a Variant of Uncertain Significance. Advanced modeling of protein sequence and biophysical properties (such as structural, functional, and spatial information, amino acid conservation, physicochemical variation, residue mobility, and thermodynamic stability) performed at Invitae indicates that this missense variant is not expected to disrupt TSC1 protein function. ClinVar contains an entry for this variant (Variation ID: 853430). This variant has not been reported in the literature in individuals affected with TSC1-related conditions. This variant is not present in population databases (gnomAD no frequency). This sequence change replaces glutamine, which is neutral and polar, with histidine, which is basic and polar, at codon 413 of the TSC1 protein (p.Gln413His).